The following is an entry in ClinVar:

NM_016492.5(RANGRF):c.77+11C>A

Genes: RANGRF (RAN guanine nucleotide release factor; plus strand), SLC25A35 (solute carrier family 25 member 35; minus strand). Cytogenetic location: 17p13.1.
Variant type: single nucleotide variant.
Coding change: c.77+11C>A on transcript NM_016492.5 (MANE Select); 11 bases into the intron after coding-DNA position 77, C replaced by A.
Molecular consequence: intron variant. On other transcripts: 3 prime UTR variant (2), non-coding transcript variant (2).
Genome position (GRCh38, 1-based): chr17:8,288,876, C>A. VCF-style: chr17-8288876-C-A. GRCh37 (hg19) VCF-style: chr17-8192194-C-A.
Other names: c.*607G>T (NM_001320872.2); c.*740G>T (NM_201520.3); c.*43-444G>T (NM_001320871.2); c.77+11C>A (NM_001177802.2, NM_001177801.2, NM_001330127.2).
Identifiers: ClinVar variation 514314 (VCV000514314.3), dbSNP rs774564931, ClinGen allele CA8374300.
Genomic context (GRCh38, chr17:8,288,876, plus strand): 5'-TTCGGGGGCGCCTTTTCCGCCATCCTCCCCATGGGGGCCATTGACGTAAGGTGAGAAGGC[C>A]GGGGCGCCCAGGGGCGGCTGACTGGGTGGGTTGTGGGAAGAGACCGGGGTCAACCAGGGT-3'

ClinVar aggregate classification (germline): Likely benign (1 of 4 stars; one submission).

Allele frequency attached by ClinVar (database versions not stated): gnomAD exomes below 0.00001; ExAC 0.00001.

Submission:

GeneDx
Classification: Likely benign. Last evaluated: 2017-12-27. Review status: criteria provided, single submitter. Criteria: GeneDx Variant Classification (06012015). Collection method: clinical testing. Allele origin: germline. Affected: yes.
Comment: This variant is considered likely benign or benign based on one or more of the following criteria: it is a conservative change, it occurs at a poorly conserved position in the protein, it is predicted to be benign by multiple in silico algorithms, and/or has population frequency not consistent with disease.